The following is an entry in ClinVar:

NM_002528.7(NTHL1):c.139G>C (p.Val47Leu)

Gene: NTHL1 (nth like DNA glycosylase 1; minus strand). Cytogenetic location: 16p13.3.
Variant type: single nucleotide variant.
Coding change: c.139G>C on transcript NM_002528.7 (MANE Select); coding-DNA position 139, G replaced by C.
Protein change: p.Val47Leu; replaces valine 47 with leucine.
Molecular consequence: missense variant. On other transcripts: 5 prime UTR variant (1).
Genome position (GRCh38, 1-based): chr16:2,046,343, C>G on the plus strand (G>C on the coding strand, the complement: NTHL1 is on the minus strand). VCF-style: chr16-2046343-C-G. GRCh37 (hg19) VCF-style: chr16-2096344-C-G.
Other names: c.139G>C, p.Val47Leu (NM_001318193.2); c.-40G>C (NM_001318194.2); short protein forms V47L.
Identifiers: ClinVar variation 1777019 (VCV001777019.2), dbSNP rs1210160367, ClinGen allele CA394298006.
Genomic context (GRCh38, chr16:2,046,343, plus strand): 5'-TCTCACTGTCCGAGCCCTCATAGGCCACACGCAGTCTCTGTGCTTTCCGCGGACGCTTCA[C>G]GGGGCTGTGGCTTTTCCTCGCTTCTGCAAAAAGCACCACGCAGTCCCTCTGGTGGGGCCA-3'
Protein context (NP_002519.2, residues 37-57): AAEARKSHSP[Val47Leu]KRPRKAQRLR

ClinVar aggregate classification (germline): Uncertain significance (1 of 4 stars; one submission).

Conditions:
Hereditary cancer-predisposing syndrome. Also called: Neoplastic Syndromes, Hereditary; Tumor predisposition; Hereditary Cancer Syndrome; Hereditary neoplastic syndrome. Identifiers: Orphanet 140162, MedGen C0027672, MeSH D009386, MONDO:0015356.

Submission:

Ambry Genetics
Classification: Uncertain significance for Hereditary cancer-predisposing syndrome. Last evaluated: 2021-05-04. Review status: criteria provided, single submitter. Criteria: Ambry Variant Classification Scheme 2023. Collection method: clinical testing. Allele origin: germline.
Comment: The p.V55L variant (also known as c.163G>C), located in coding exon 2 of the NTHL1 gene, results from a G to C substitution at nucleotide position 163. The valine at codon 55 is replaced by leucine, an amino acid with highly similar properties. This amino acid position is poorly conserved in available vertebrate species. In addition, this alteration is predicted to be tolerated by in silico analysis. Since supporting evidence is limited at this time, the clinical significance of this alteration remains unclear.